The following is an entry in ClinVar:

ClinVar aggregate classification (germline): Conflicting classifications of pathogenicity. Review status: criteria provided, conflicting classifications (1 of 4 stars). 5 submissions from 5 submitters: Likely pathogenic (1); Uncertain significance (4). Last evaluated 2025-06-27.

Conditions:
ABCA4-related disorder. Also called: ABCA4-related condition; ABCA4-related disorders. Identifiers: MedGen CN239167.
Severe early-childhood-onset retinal dystrophy (STGD1). Also called: Stargardt macular dystrophy; Juvenile onset macular degeneration; Stargardt disease 1; MACULAR DYSTROPHY WITH FLECKS, TYPE 1; STGD. Identifiers: Orphanet 364055, Orphanet 827, MedGen C1855465, MeSH D000080362, MONDO:0009549, OMIM 248200.

Submissions (5):

Women's Health and Genetics/Laboratory Corporation of America, LabCorp
Classification: Uncertain significance. Last evaluated: 2025-06-27. Review status: criteria provided, single submitter. Criteria: LabCorp Variant Classification Summary - May 2015. Collection method: clinical testing. Allele origin: germline.
Comment: Variant summary: ABCA4 c.1356+4dupA alters a conserved nucleotide located close to a canonical splice site and therefore could affect mRNA splicing, leading to a significantly altered protein sequence. Several computational tools predict a significant impact on normal splicing: Three predict the variant abolishes a 5' splicing donor site. One predicts the variant weakens a 5' donor site. However, these predictions have yet to be confirmed by functional studies. The variant was absent in 251250 control chromosomes. The available data on variant occurrences in the general population are insufficient to allow any conclusion about variant significance. c.1356+4dupA has been observed in at least one compound heterozygous individual affected with macular dystrophy (Gregory-Evans_2024). These data do not allow any conclusion about variant significance. To our knowledge, no experimental evidence demonstrating an impact on protein function has been reported. The following publication has been ascertained in the context of this evaluation (PMID: 39043154). ClinVar contains an entry for this variant (Variation ID: 838663). Based on the evidence outlined above, the variant was classified as uncertain significance.

GeneDx
Classification: Uncertain significance. Last evaluated: 2024-03-20. Review status: criteria provided, single submitter. Criteria: GeneDx Variant Classification Process June 2021. Collection method: clinical testing. Allele origin: germline. Affected: yes.
Comment: Not observed at significant frequency in large population cohorts (gnomAD); In silico analysis supports a deleterious effect on splicing; Has not been previously published as pathogenic or benign to our knowledge

Labcorp Genetics (formerly Invitae), Labcorp
Classification: Uncertain significance. Last evaluated: 2022-09-06. Review status: criteria provided, single submitter. Criteria: Invitae Variant Classification Sherloc (09022015). Collection method: clinical testing. Allele origin: germline.
Comment: This sequence change falls in intron 10 of the ABCA4 gene. It does not directly change the encoded amino acid sequence of the ABCA4 protein. It affects a nucleotide within the consensus splice site. This variant is not present in population databases (gnomAD no frequency). This variant has not been reported in the literature in individuals affected with ABCA4-related conditions. ClinVar contains an entry for this variant (Variation ID: 838663). Variants that disrupt the consensus splice site are a relatively common cause of aberrant splicing (PMID: 17576681, 9536098). Algorithms developed to predict the effect of sequence changes on RNA splicing suggest that this variant may disrupt the consensus splice site. In summary, the available evidence is currently insufficient to determine the role of this variant in disease. Therefore, it has been classified as a Variant of Uncertain Significance.

DBGen Ocular Genomics
Classification: Uncertain significance for Severe early-childhood-onset retinal dystrophy. Last evaluated: 2021-05-31. Review status: criteria provided, single submitter. Criteria: ACMG Guidelines, 2015. Collection method: clinical testing. Allele origin: germline. Affected: yes. Observed: 1 variant allele.

Blueprint Genetics
Classification: Likely pathogenic for ABCA4-related disorders. Last evaluated: 2020-12-09. Review status: criteria provided, single submitter. Criteria: ACMG Guidelines, 2015. Collection method: clinical testing. Allele origin: germline. Affected: yes. Observed: 3 variant alleles.

Literature cited by the submitters: PubMed 39043154 (cited by Women's Health and Genetics/Laboratory Corporation of America, LabCorp); PubMed 17576681 (cited by Labcorp Genetics (formerly Invitae), Labcorp); PubMed 9536098 (cited by Labcorp Genetics (formerly Invitae), Labcorp).

NM_000350.3(ABCA4):c.1356+4dup

Gene: ABCA4 (ATP binding cassette subfamily A member 4; minus strand). Cytogenetic location: 1p22.1.
Variant type: Duplication.
Coding change: c.1356+4dup on transcript NM_000350.3 (MANE Select); 4 bases into the intron after coding-DNA position 1356, one base duplicated (A; older notation c.1356+4dupA).
Molecular consequence: intron variant.
Genome position (GRCh38, 1-based): chr1:94,078,586, T duplicated on the plus strand (A on the coding strand, the reverse complement: ABCA4 is on the minus strand); the first of 2 consecutive T bases (chr1:94,078,586-94,078,587); duplicating either gives the same sequence. VCF-style (leftmost placement, unchanged base first): chr1-94078585-C-CT. GRCh37 (hg19) VCF-style: chr1-94544141-C-CT.
Other names: c.1356+4dupA (NM_000350.3).
Identifiers: ClinVar variation 838663 (VCV000838663.13), dbSNP rs1661600677, ClinGen allele CA916082069.
Genomic context (GRCh38, chr1:94,078,585, plus strand): 5'-GTGGAACTTTCTTGCCCCCACCGCTTCCTCCTCCCCTCCCCTCCCCATCCTCCAACCCCC[C>CT]TTACTCTGATCATGTTCATCTGTGTGCTGTTGTCAAAGAAGTACCAGATCTGGGGCCCTA-3'